The following is an entry in ClinVar:

NM_006892.4(DNMT3B):c.197A>G (p.Tyr66Cys)

Gene: DNMT3B (DNA methyltransferase 3 beta; plus strand). Cytogenetic location: 20q11.21.
Variant type: single nucleotide variant.
Coding change: c.197A>G on transcript NM_006892.4 (MANE Select); coding-DNA position 197, A replaced by G.
Protein change: p.Tyr66Cys; replaces tyrosine 66 with cysteine.
Molecular consequence: missense variant.
Genome position (GRCh38, 1-based): chr20:32,781,407, A>G. VCF-style: chr20-32781407-A-G. GRCh37 (hg19) VCF-style: chr20-31369213-A-G.
Other names: c.197A>G, p.Tyr66Cys (NM_001207055.2, NM_001207056.2, NM_175848.2 and 1 more transcripts); c.233A>G, p.Tyr78Cys (NM_175850.3); short protein forms Y78C, Y66C.
Identifiers: ClinVar variation 1353065 (VCV001353065.5), dbSNP rs964839947, ClinGen allele CA313180894.

ClinVar aggregate classification (germline): Uncertain significance (1 of 4 stars; one submission).

Conditions:
Centromeric instability of chromosomes 1,9 and 16 and immunodeficiency (ICF1). Also called: CENTROMERIC INSTABILITY, IMMUNODEFICIENCY SYNDROME; IMMUNE DEFICIENCY, VARIABLE, WITH CENTROMERIC INSTABILITY OF CHROMOSOMES 1, 9, AND 16; IMMUNODEFICIENCY SYNDROME, VARIABLE; Immunodeficiency-centromeric instability-facial anomalies. Identifiers: Orphanet 2268, MedGen C0398788, MONDO:0000133.

Allele frequency attached by ClinVar (database versions not stated): gnomAD exomes below 0.00001.
gnomAD v4.1: 6 of 1,614,204 alleles (0.00037%); highest among the groups gnomAD compares: African/African-American, 0.0013%; no homozygotes.

Submission:

Labcorp Genetics (formerly Invitae), Labcorp
Classification: Uncertain significance for Centromeric instability of chromosomes 1,9 and 16 and immunodeficiency. Last evaluated: 2024-12-16. Review status: criteria provided, single submitter. Criteria: Invitae Variant Classification Sherloc (09022015). Collection method: clinical testing. Allele origin: germline.
Comment: This sequence change replaces tyrosine, which is neutral and polar, with cysteine, which is neutral and slightly polar, at codon 66 of the DNMT3B protein (p.Tyr66Cys). This variant is not present in population databases (gnomAD no frequency). This variant has not been reported in the literature in individuals affected with DNMT3B-related conditions. ClinVar contains an entry for this variant (Variation ID: 1353065). Invitae Evidence Modeling of protein sequence and biophysical properties (such as structural, functional, and spatial information, amino acid conservation, physicochemical variation, residue mobility, and thermodynamic stability) indicates that this missense variant is not expected to disrupt DNMT3B protein function with a negative predictive value of 95%. In summary, the available evidence is currently insufficient to determine the role of this variant in disease. Therefore, it has been classified as a Variant of Uncertain Significance.